The following is an entry in ClinVar:

NM_198880.3(QRICH1):c.325C>T (p.Gln109Ter)

Gene: QRICH1 (glutamine rich 1; minus strand). Cytogenetic location: 3p21.31.
Variant type: single nucleotide variant.
Coding change: c.325C>T on transcript NM_198880.3 (MANE Select); coding-DNA position 325, C replaced by T.
Protein change: p.Gln109Ter; replaces glutamine 109 with a stop codon.
Molecular consequence: nonsense.
Genome position (GRCh38, 1-based): chr3:49,057,875, G>A on the plus strand (C>T on the coding strand, the complement: QRICH1 is on the minus strand). VCF-style: chr3-49057875-G-A. GRCh37 (hg19) VCF-style: chr3-49095308-G-A.
Other names: c.325C>T, p.Gln109Ter (NM_001320580.2, NM_001320581.2, NM_001320582.2 and 4 more transcripts); short protein forms Q109*.
Identifiers: ClinVar variation 2356055 (VCV002356055.2), dbSNP rs2093412592, ClinGen allele CA352675895.

ClinVar aggregate classification (germline): Pathogenic (1 of 4 stars; one submission).

Conditions:
Inborn genetic diseases. Identifiers: MedGen C0950123, MeSH D030342.

Submission:

Ambry Genetics
Classification: Pathogenic for Inborn genetic diseases. Last evaluated: 2021-09-20. Review status: criteria provided, single submitter. Criteria: Ambry Variant Classification Scheme 2023. Collection method: clinical testing. Allele origin: germline.
Comment: The c.325C>T (p.Q109*) alteration, located in exon 4 (coding exon 2) of the QRICH1 gene, consists of a C to T substitution at nucleotide position 325. This changes the amino acid from a glutamine (Q) to a stop codon at amino acid position 109. This alteration is expected to result in loss of function by premature protein truncation or nonsense-mediated mRNA decay. This variant was not reported in population-based cohorts in the Genome Aggregation Database (gnomAD). Based on the available evidence, this alteration is classified as pathogenic.